The following is an entry in ClinVar:

ClinVar aggregate classification (germline): Uncertain significance (1 of 4 stars; one submission).

Conditions:
Pitt-Hopkins-like syndrome 2 (PTHSL2). Identifiers: Orphanet 221150, Orphanet 600663, MedGen C3280479, MONDO:0013690, OMIM 614325.

Submission:

Labcorp Genetics (formerly Invitae), Labcorp
Classification: Uncertain significance for Pitt-Hopkins-like syndrome 2. Last evaluated: 2024-12-08. Review status: criteria provided, single submitter. Criteria: Invitae Variant Classification Sherloc (09022015). Collection method: clinical testing. Allele origin: germline.
Comment: This sequence change replaces tyrosine, which is neutral and polar, with histidine, which is basic and polar, at codon 1342 of the NRXN1 protein (p.Tyr1342His). This variant is not present in population databases (gnomAD no frequency). This variant has not been reported in the literature in individuals affected with NRXN1-related conditions. Invitae Evidence Modeling of protein sequence and biophysical properties (such as structural, functional, and spatial information, amino acid conservation, physicochemical variation, residue mobility, and thermodynamic stability) indicates that this missense variant is expected to disrupt NRXN1 protein function with a positive predictive value of 80%. In summary, the available evidence is currently insufficient to determine the role of this variant in disease. Therefore, it has been classified as a Variant of Uncertain Significance.

NM_001330078.2(NRXN1):c.3904T>C (p.Tyr1302His)

Gene: NRXN1 (neurexin 1; minus strand). Cytogenetic location: 2p16.3.
Variant type: single nucleotide variant.
Coding change: c.3904T>C on transcript NM_001330078.2 (MANE Select); coding-DNA position 3904, T replaced by C.
Protein change: p.Tyr1302His; replaces tyrosine 1302 with histidine.
Molecular consequence: missense variant.
Genome position (GRCh38, 1-based): chr2:50,053,495, A>G on the plus strand (T>C on the coding strand, the complement: NRXN1 is on the minus strand). VCF-style: chr2-50053495-A-G. GRCh37 (hg19) VCF-style: chr2-50280633-A-G.
Other names: c.4024T>C, p.Tyr1342His (NM_001135659.3); c.3880T>C, p.Tyr1294His (NM_001330077.2, NM_001330082.2); c.3748T>C, p.Tyr1250His (NM_001330083.2); c.3838T>C, p.Tyr1280His (NM_001330084.2); c.3877T>C, p.Tyr1293His (NM_001330085.2); c.3904T>C, p.Tyr1302His (NM_001330086.2); c.3703T>C, p.Tyr1235His (NM_001330087.2, NM_001330096.2); c.3733T>C, p.Tyr1245His (NM_001330088.2); and 6 more; short protein forms Y1235H, Y1255H, Y1272H, Y1293H, Y1294H, Y1301H, Y267H, Y1245H.
Identifiers: ClinVar variation 3719768 (VCV003719768.2).